The following is an entry in ClinVar:

NM_001813.3(CENPE):c.367A>G (p.Arg123Gly)

Gene: CENPE (centromere protein E; minus strand). Cytogenetic location: 4q24.
Variant type: single nucleotide variant.
Coding change: c.367A>G on transcript NM_001813.3 (MANE Select); coding-DNA position 367, A replaced by G.
Protein change: p.Arg123Gly; replaces arginine 123 with glycine.
Molecular consequence: missense variant.
Genome position (GRCh38, 1-based): chr4:103,195,224, T>C on the plus strand (A>G on the coding strand, the complement: CENPE is on the minus strand). VCF-style: chr4-103195224-T-C. GRCh37 (hg19) VCF-style: chr4-104116381-T-C.
Other names: c.367A>G, p.Arg123Gly (NM_001286734.2); short protein forms R123G.
Identifiers: ClinVar variation 432294 (VCV000432294.4), dbSNP rs1553940921, ClinGen allele CA357790484.

ClinVar aggregate classification (germline): Uncertain significance (1 of 4 stars; one submission).

Submission:

GeneDx
Classification: Uncertain significance. Last evaluated: 2025-09-23. Review status: criteria provided, single submitter. Criteria: GeneDx Variant Classification Process June 2021. Collection method: clinical testing. Allele origin: germline. Affected: yes.
Comment: Not observed at significant frequency in large population cohorts (gnomAD); In silico analysis supports that this missense variant has a deleterious effect on protein structure/function; This variant is associated with the following publications: (PMID: 35982159, 33057194)